The following is an entry in ClinVar:

NM_000092.5(COL4A4):c.4950C>G (p.Phe1650Leu)

Gene: COL4A4 (collagen type IV alpha 4 chain; minus strand). Cytogenetic location: 2q36.3.
Variant type: single nucleotide variant.
Coding change: c.4950C>G on transcript NM_000092.5 (MANE Select); coding-DNA position 4950, C replaced by G.
Protein change: p.Phe1650Leu; replaces phenylalanine 1650 with leucine.
Molecular consequence: missense variant.
Genome position (GRCh38, 1-based): chr2:227,007,448, G>C on the plus strand (C>G on the coding strand, the complement: COL4A4 is on the minus strand). VCF-style: chr2-227007448-G-C. GRCh37 (hg19) VCF-style: chr2-227872164-G-C.
Other names: c.4950C>G (NM_000092.4); short protein forms F1650L.
Identifiers: ClinVar variation 594208 (VCV000594208.7), dbSNP rs542384685, ClinGen allele CA2144013.

ClinVar aggregate classification (germline): Uncertain significance. Review status: criteria provided, multiple submitters, no conflicts (2 of 4 stars). 3 submissions from 3 submitters: Uncertain significance (3). Last evaluated 2024-07-29.

Conditions:
Autosomal recessive Alport syndrome (ATS2). Also called: COL4A4 Alport Syndrome and Thin Basement Membrane Nephropathy; ALPORT SYNDROME 2, AUTOSOMAL RECESSIVE; Alport syndrome type 2; COL4A3-Related Nephropathy. Identifiers: Orphanet 63, Orphanet 88919, MedGen C4746745, MONDO:0008762, OMIM 203780.
Benign familial hematuria. Also called: thin basement membrane disease. Identifiers: MedGen C0241908, MONDO:0957317.

Allele frequency attached by ClinVar (database versions not stated): gnomAD 0.00002 and 0.00003; 1000 Genomes Project 30x 0.00016; gnomAD exomes 0.00001 and 0.00002; 1000 Genomes Project 0.00020; ExAC 0.00001.
gnomAD v4.1: 14 of 1,614,250 alleles (0.00087%); highest among the groups gnomAD compares: Admixed American, 0.017%; no homozygotes.

Submissions (3):

GeneDx
Classification: Uncertain significance. Last evaluated: 2024-07-29. Review status: criteria provided, single submitter. Criteria: GeneDx Variant Classification Process June 2021. Collection method: clinical testing. Allele origin: germline. Affected: yes.
Comment: Reported in a patient with Alport syndrome in published literature; this patient is also heterozygous for a COL4A3 variant (PMID: 29801666); In silico analysis supports that this missense variant has a deleterious effect on protein structure/function; This variant is associated with the following publications: (PMID: 29801666)

Fulgent Genetics
Classification: Uncertain significance for Hematuria, benign familial, 1; Autosomal recessive Alport syndrome. Last evaluated: 2021-09-23. Review status: criteria provided, single submitter. Criteria: ACMG Guidelines, 2015. Collection method: clinical testing. Allele origin: unknown.

Eurofins Ntd Llc (ga)
Classification: Uncertain significance. Last evaluated: 2017-10-12. Review status: criteria provided, single submitter. Criteria: EGL Classification Definitions 2015. Collection method: clinical testing. Allele origin: germline. Observed: 1 variant allele, 1 heterozygote.